The following is an entry in ClinVar:

NM_024649.5(BBS1):c.887del (p.Ile296fs)

Genes: BBS1 (Bardet-Biedl syndrome 1; plus strand), ZDHHC24 (zDHHC palmitoyltransferase 24; minus strand). Cytogenetic location: 11q13.2.
Variant type: Deletion.
Coding change: c.887del on transcript NM_024649.5 (MANE Select); coding-DNA position 887, one base deleted (T; older notation c.887delT).
Protein change: p.Ile296fs; shifts the reading frame from isoleucine 296.
Molecular consequence: frameshift variant. On other transcripts: intron variant (1).
Genome position (GRCh38, 1-based): chr11:66,523,512, T deleted. VCF-style (leftmost placement, unchanged base first): chr11-66523511-AT-A. GRCh37 (hg19) VCF-style: chr11-66290982-AT-A.
Other names: c.*22-2046del (NM_001348571.2); short protein forms I296fs.
Identifiers: ClinVar variation 193740 (VCV000193740.15), dbSNP rs794727006, ClinGen allele CA274943.
Genomic context (GRCh38, chr11:66,523,511, plus strand): 5'-CACAGAGACTCCAAGCACCCCAAGTACTGCATCGAGCTGAGCGCCCAGCCTGTGGGACTT[AT>A]CCGGGTACACAAGGTCCTAGTGGTGGGCAGCACCCAAGACAGCCTGCATGGCTTCACCCA-3'

ClinVar aggregate classification (germline): Pathogenic. Review status: criteria provided, multiple submitters, no conflicts (2 of 4 stars). 3 submissions from 3 submitters: Pathogenic (3). Last evaluated 2022-04-07.

Conditions:
Bardet-Biedl syndrome (BBS). Identifiers: Orphanet 110, MedGen C0752166, MONDO:0015229.
Bardet-Biedl syndrome 1 (BBS1). Identifiers: MedGen C2936862, MONDO:0008854, OMIM 209900. Disease mechanism: loss of function.

Submissions (3):

Fulgent Genetics
Classification: Pathogenic for Bardet-Biedl syndrome 1. Last evaluated: 2022-04-07. Review status: criteria provided, single submitter. Criteria: ACMG Guidelines, 2015. Collection method: clinical testing. Allele origin: unknown.

Labcorp Genetics (formerly Invitae), Labcorp
Classification: Pathogenic for Bardet-Biedl syndrome. Last evaluated: 2021-01-27. Review status: criteria provided, single submitter. Criteria: Invitae Variant Classification Sherloc (09022015). Collection method: clinical testing. Allele origin: germline.
Comment: For these reasons, this variant has been classified as Pathogenic. This variant has been observed in individual(s) with Bardet-Biedl syndrome (PMID: 20472660). ClinVar contains an entry for this variant (Variation ID: 193740). This variant is not present in population databases (ExAC no frequency). This sequence change creates a premature translational stop signal (p.Ile296Thrfs*7) in the BBS1 gene. It is expected to result in an absent or disrupted protein product. Loss-of-function variants in BBS1 are known to be pathogenic (PMID: 12118255).

Eurofins Ntd Llc (ga)
Classification: Pathogenic. Last evaluated: 2014-11-19. Review status: criteria provided, single submitter. Criteria: EGL Classification Definitions 2015. Collection method: clinical testing. Allele origin: germline. Observed: 1 variant allele, 1 homozygote.

Literature cited by the submitters: PubMed 20472660 (cited by Labcorp Genetics (formerly Invitae), Labcorp and Eurofins Ntd Llc (ga)); PubMed 12118255 (cited by Labcorp Genetics (formerly Invitae), Labcorp).